The following is an entry in ClinVar:

ClinVar aggregate classification (germline): Uncertain significance (1 of 4 stars; one submission).

Conditions:
Early Myoclonic Encephalopathy. Identifiers: MedGen C0270855.

gnomAD v4.1: 2 of 1,613,888 alleles (0.00012%); highest among the groups gnomAD compares: Admixed American, 0.0033%; no homozygotes.

Submission:

Labcorp Genetics (formerly Invitae), Labcorp
Classification: Uncertain significance for Early Myoclonic Encephalopathy. Last evaluated: 2025-01-12. Review status: criteria provided, single submitter. Criteria: Invitae Variant Classification Sherloc (09022015). Collection method: clinical testing. Allele origin: germline.
Comment: This sequence change replaces lysine, which is basic and polar, with arginine, which is basic and polar, at codon 2125 of the JMJD1C protein (p.Lys2125Arg). This variant is present in population databases (no rsID available, gnomAD 0.003%). This variant has not been reported in the literature in individuals affected with JMJD1C-related conditions. Invitae Evidence Modeling of protein sequence and biophysical properties (such as structural, functional, and spatial information, amino acid conservation, physicochemical variation, residue mobility, and thermodynamic stability) indicates that this missense variant is not expected to disrupt JMJD1C protein function with a negative predictive value of 80%. In summary, the available evidence is currently insufficient to determine the role of this variant in disease. Therefore, it has been classified as a Variant of Uncertain Significance.

NM_032776.3(JMJD1C):c.6374A>G (p.Lys2125Arg)

Gene: JMJD1C (jumonji domain containing 1C; minus strand). Cytogenetic location: 10q21.3.
Variant type: single nucleotide variant.
Coding change: c.6374A>G on transcript NM_032776.3 (MANE Select); coding-DNA position 6374, A replaced by G.
Protein change: p.Lys2125Arg; replaces lysine 2125 with arginine.
Molecular consequence: missense variant. On other transcripts: non-coding transcript variant (1).
Genome position (GRCh38, 1-based): chr10:63,189,364, T>C on the plus strand (A>G on the coding strand, the complement: JMJD1C is on the minus strand). VCF-style: chr10-63189364-T-C. GRCh37 (hg19) VCF-style: chr10-64949124-T-C.
Other names: c.5828A>G, p.Lys1943Arg (NM_001282948.2, NM_001318154.2); c.5510A>G, p.Lys1837Arg (NM_001318153.2); c.6260A>G, p.Lys2087Arg (NM_001322252.2); c.5717A>G, p.Lys1906Arg (NM_001322254.2, NM_001322258.2); short protein forms K1837R, K1906R, K2087R, K2125R, K1943R.
Identifiers: ClinVar variation 3706851 (VCV003706851.2).
Genomic context (GRCh38, chr10:63,189,364, plus strand): 5'-GATATTATGCTTTCTTCAGGCTCTTCTTTAAGCTCTGGTTTTACATTTATCTTGGAGGTT[T>C]TACTTGGTGGAATTTTGTTTTCAACAACTGAAGCAATTATGTCATCAAGAATGTTAGGCA-3'
Protein context (NP_116165.1, residues 2115-2135): SVVENKIPPS[Lys2125Arg]TSKINVKPEL